The following is an entry in ClinVar:

NM_194248.3(OTOF):c.637G>A (p.Gly213Arg)

Gene: OTOF (otoferlin; minus strand). Cytogenetic location: 2p23.3.
Variant type: single nucleotide variant.
Coding change: c.637G>A on transcript NM_194248.3 (MANE Select); coding-DNA position 637, G replaced by A.
Protein change: p.Gly213Arg; replaces glycine 213 with arginine.
Molecular consequence: missense variant.
Genome position (GRCh38, 1-based): chr2:26,502,373, C>T on the plus strand (G>A on the coding strand, the complement: OTOF is on the minus strand). VCF-style: chr2-26502373-C-T. GRCh37 (hg19) VCF-style: chr2-26725241-C-T.
Other names: c.637G>A, p.Gly213Arg (NM_001287489.2); short protein forms G213R.
Identifiers: ClinVar variation 1348339 (VCV001348339.8), dbSNP rs989209365, ClinGen allele CA44417804.

ClinVar aggregate classification (germline): Uncertain significance (1 of 4 stars; one submission).

Allele frequency attached by ClinVar (database versions not stated): gnomAD exomes below 0.00001; TOPMed 0.00002; gnomAD 0.00003 and 0.00004.
gnomAD v4.1: 8 of 1,613,892 alleles (0.0005%); highest among the groups gnomAD compares: African/African-American, 0.011%; no homozygotes.

Submission:

Labcorp Genetics (formerly Invitae), Labcorp
Classification: Uncertain significance. Last evaluated: 2022-10-03. Review status: criteria provided, single submitter. Criteria: Invitae Variant Classification Sherloc (09022015). Collection method: clinical testing. Allele origin: germline.
Comment: This variant is present in population databases (no rsID available, gnomAD 0.007%). In summary, the available evidence is currently insufficient to determine the role of this variant in disease. Therefore, it has been classified as a Variant of Uncertain Significance. Advanced modeling of protein sequence and biophysical properties (such as structural, functional, and spatial information, amino acid conservation, physicochemical variation, residue mobility, and thermodynamic stability) performed at Invitae indicates that this missense variant is not expected to disrupt OTOF protein function. ClinVar contains an entry for this variant (Variation ID: 1348339). This variant has not been reported in the literature in individuals affected with OTOF-related conditions. This sequence change replaces glycine, which is neutral and non-polar, with arginine, which is basic and polar, at codon 213 of the OTOF protein (p.Gly213Arg).